The following is an entry in ClinVar:

ClinVar aggregate classification (germline): Benign/Likely benign. Review status: criteria provided, multiple submitters, no conflicts (2 of 4 stars). 9 submissions from 9 submitters: Benign (7); Likely benign (1). 1 of the submissions does not count toward it. Last evaluated 2026-02-01.

Conditions:
Short-rib thoracic dysplasia 6 with or without polydactyly (SRTD6). Also called: POLYDACTYLY WITH NEONATAL CHONDRODYSTROPHY, TYPE II; SHORT RIB-POLYDACTYLY SYNDROME, TYPE IIA; SHORT-RIB THORACIC DYSPLASIA 6 WITH POLYDACTYLY; SHORT-RIB THORACIC DYSPLASIA 6 WITHOUT POLYDACTYLY; Majewski Syndrome. Identifiers: MedGen C0024507, MONDO:0009894, OMIM 263520.

Allele frequency attached by ClinVar (database versions not stated): 1000 Genomes Project 0.02796; 1000 Genomes Project 30x 0.02826; gnomAD exomes 0.05695 and 0.08407; gnomAD 0.05821 and 0.06017; TOPMed 0.05889; ESP Exome Variant Server 0.06345; ExAC 0.08440.
gnomAD v4.1: 128,047 of 1,576,632 alleles (8.1%); highest among the groups gnomAD compares: Non-Finnish European, 9.8%; 6,202 homozygotes.

Submissions (9):

Labcorp Genetics (formerly Invitae), Labcorp
Classification: Benign for Short-rib thoracic dysplasia 6 with or without polydactyly. Last evaluated: 2026-02-01. Review status: criteria provided, single submitter. Criteria: Invitae Variant Classification Sherloc (09022015). Collection method: clinical testing. Allele origin: germline.

Blueprint Genetics
Classification: Likely benign. Last evaluated: 2024-11-26. Review status: criteria provided, single submitter. Criteria: ACMG Guidelines, 2015. Collection method: clinical testing. Allele origin: germline.

Mayo Clinic Laboratories, Mayo Clinic
Classification: Benign. Last evaluated: 2022-03-09. Review status: criteria provided, single submitter. Criteria: ACMG Guidelines, 2015. Collection method: clinical testing. Allele origin: germline. Observed: 7 variant alleles.

Genome-Nilou Lab
Classification: Benign for Short-rib thoracic dysplasia 6 with or without polydactyly. Last evaluated: 2021-09-05. Review status: criteria provided, single submitter. Criteria: ACMG Guidelines, 2015. Collection method: clinical testing. Allele origin: germline. Affected: no.

Illumina Laboratory Services, Illumina
Classification: Benign for Short-rib thoracic dysplasia 6 with or without polydactyly. Last evaluated: 2018-01-13. Review status: criteria provided, single submitter. Criteria: ICSL Variant Classification Criteria 13 December 2019. Collection method: clinical testing. Allele origin: germline.
Comment: This variant was observed in the ICSL laboratory as part of a predisposition screen in an ostensibly healthy population. It had not been previously curated by ICSL or reported in the Human Gene Mutation Database (HGMD: prior to June 1st, 2018), and was therefore a candidate for classification through an automated scoring system. Utilizing variant allele frequency, disease prevalence and penetrance estimates, and inheritance mode, an automated score was calculated to assess if this variant is too frequent to cause the disease. Based on the score and internal cut-off values, a variant classified as benign is not then subjected to further curation. The score for this variant resulted in a classification of benign for this disease.

GeneDx
Classification: Benign. Last evaluated: 2016-03-29. Review status: criteria provided, single submitter. Criteria: GeneDx Variant Classification (06012015). Collection method: clinical testing. Allele origin: germline. Affected: yes.
Comment: This variant is considered likely benign or benign based on one or more of the following criteria: it is a conservative change, it occurs at a poorly conserved position in the protein, it is predicted to be benign by multiple in silico algorithms, and/or has population frequency not consistent with disease.

Clinical Genetics DNA and cytogenetics Diagnostics Lab, Erasmus MC, Erasmus Medical Center
Classification: Benign for Short-rib thoracic dysplasia 6 with or without polydactyly. Last evaluated: 2015-09-21. Review status: criteria provided, single submitter. Criteria: ACGS Guidelines, 2013. Collection method: clinical testing. Allele origin: germline. Affected: yes. Study: VKGL Data-share Consensus.

Breakthrough Genomics
Classification: Benign. Review status: criteria provided, single submitter. Criteria: ACMG Guidelines, 2015. Collection method: not provided. Allele origin: germline. Inheritance: Autosomal recessive inheritance. Affected: yes.

Clinical Genetics, Academic Medical Center
Classification: Benign. Review status: no assertion criteria provided. Collection method: clinical testing. Allele origin: germline. Affected: yes. Study: VKGL Data-share Consensus. Not counted in ClinVar's aggregate classification.

NM_001199397.3(NEK1):c.1146T>C (p.Ile382=)

Gene: NEK1 (NIMA related kinase 1; minus strand). Cytogenetic location: 4q33.
Variant type: single nucleotide variant.
Coding change: c.1146T>C on transcript NM_001199397.3 (MANE Select); coding-DNA position 1146, T replaced by C.
Protein change: p.Ile382=; no amino-acid change (isoleucine 382 retained).
Molecular consequence: synonymous variant. On other transcripts: non-coding transcript variant (2), intron variant (2).
Genome position (GRCh38, 1-based): chr4:169,561,732, A>G on the plus strand (T>C on the coding strand, the complement: NEK1 is on the minus strand). VCF-style: chr4-169561732-A-G. GRCh37 (hg19) VCF-style: chr4-170482883-A-G.
Other names: p.Ile382=; c.1146T>C, p.Ile382= (NM_001199398.3, NM_001199399.3, NM_001199400.3 and 5 more transcripts); c.1140+100T>C (NM_001374421.1, NM_001374420.1); c.1146T>C (NM_001199397.2).
Identifiers: ClinVar variation 348116 (VCV000348116.21), dbSNP rs56064008, ClinGen allele CA3137825.